The following is an entry in ClinVar:

NM_001385001.1(MCTP2):c.608G>A (p.Gly203Asp)

Gene: MCTP2 (multiple C2 and transmembrane domain containing 2; plus strand). Cytogenetic location: 15q26.2.
Variant type: single nucleotide variant.
Coding change: c.608G>A on transcript NM_001385001.1 (MANE Select); coding-DNA position 608, G replaced by A.
Protein change: p.Gly203Asp; replaces glycine 203 with aspartic acid.
Molecular consequence: missense variant. On other transcripts: non-coding transcript variant (7).
Genome position (GRCh38, 1-based): chr15:94,315,608, G>A. VCF-style: chr15-94315608-G-A. GRCh37 (hg19) VCF-style: chr15-94858837-G-A.
Other names: c.608G>A, p.Gly203Asp (NM_001159643.2, NM_001385002.1, NM_001385003.1 and 5 more transcripts); c.326G>A, p.Gly109Asp (NM_001385007.1, NM_001385011.1); c.110G>A, p.Gly37Asp (NM_001385009.1, NM_001385010.1); short protein forms G203D, G109D, G37D.
Identifiers: ClinVar variation 728407 (VCV000728407.8), dbSNP rs201530723, ClinGen allele CA7749600.
Genomic context (GRCh38, chr15:94,315,608, plus strand): 5'-ATGGCTTGAGTAACCTCCCCAGCCCTTTTGCGTACCTCCTCACCATACACCTGAAGGAAG[G>A]CCGGAACCTGGTTGTCCGAGATCGCTGTGGTAAGACCTGGGTCTGTTATGGTGGGTGTAG-3'
Protein context (NP_001371930.1, residues 193-213): AYLLTIHLKE[Gly203Asp]RNLVVRDRCG

ClinVar aggregate classification (germline): Likely benign. Review status: criteria provided, multiple submitters, no conflicts (2 of 4 stars). 3 submissions from 3 submitters: Likely benign (2). 1 of the submissions does not count toward it. Last evaluated 2026-06-01.

Conditions:
MCTP2-related disorder. Also called: MCTP2-related condition.

Allele frequency attached by ClinVar (database versions not stated): gnomAD 0.00006; 1000 Genomes Project 30x 0.00016; 1000 Genomes Project 0.00020; gnomAD exomes 0.00034 and 0.00078; TOPMed 0.00036; ExAC 0.00056.
gnomAD v4.1: 216 of 1,614,076 alleles (0.013%); highest among the groups gnomAD compares: Admixed American, 0.35%; 1 homozygote.

Submissions (3):

CeGaT Center for Human Genetics Tuebingen
Classification: Likely benign. Last evaluated: 2026-06-01. Review status: criteria provided, single submitter. Criteria: CeGaT Center For Human Genetics Tuebingen Variant Classification Criteria Version 2. Collection method: clinical testing. Allele origin: germline. Affected: yes. Observed: 1 variant allele.
Comment: MCTP2: BS2

Labcorp Genetics (formerly Invitae), Labcorp
Classification: Likely benign. Last evaluated: 2019-12-31. Review status: criteria provided, single submitter. Criteria: Invitae Variant Classification Sherloc (09022015). Collection method: clinical testing. Allele origin: germline.

PreventionGenetics, part of Exact Sciences
Classification: Likely benign for MCTP2-related condition. Last evaluated: 2022-08-10. Review status: no assertion criteria provided. Collection method: clinical testing. Allele origin: germline. Not counted in ClinVar's aggregate classification.
Comment: This variant is classified as likely benign based on ACMG/AMP sequence variant interpretation guidelines (Richards et al. 2015 PMID: 25741868, with internal and published modifications).